The following is an entry in ClinVar:

ClinVar aggregate classification (germline): Pathogenic (1 of 4 stars; one submission).

Conditions:
Torsion dystonia 6 (DYT6). Also called: DYT-THAP1. Identifiers: Orphanet 98806, MedGen C1414216, MONDO:0011264, OMIM 602629.

Submission:

Women's Health and Genetics/Laboratory Corporation of America, LabCorp
Classification: Pathogenic for Torsion dystonia 6. Last evaluated: 2025-10-30. Review status: criteria provided, single submitter. Criteria: LabCorp Variant Classification Summary - May 2015. Collection method: clinical testing. Allele origin: germline.
Comment: Variant summary: The variant involves the deletion of exon 2 in the THAP1 gene. A presumed nomenclature of c.(71+1_72-1)_(267+1_268-1)del has been designated for the purposes of this classification. This Copy Number Variant (CNV) is expected to alter the reading frame and predicted to result in a truncation or absence of the encoded protein due to nonsense mediated decay (NMD). Loss-of-function variants in this gene are known to be pathogenic. The frequency of this variant in the general population could not be determined as the technology used for large population databases (ExAC, gnomAD, ESP, 1000G) cannot detect variants of this type. To our knowledge, no occurrence of c.(71+1_72-1)_(267+1_268-1)del in individuals affected with THAP1-related conditions and no experimental evidence demonstrating its impact on protein function have been reported. ClinVar contains an entry for this variant (Variation ID: 547123). Based on the evidence outlined above, the variant was classified as pathogenic.

NC_000008.10:g.(42693480_42694328)_(42694525_42698166)del

Gene: THAP1 (THAP domain containing 1; minus strand). Cytogenetic location: 8p11.21.
Variant type: Deletion.
Identifiers: ClinVar variation 4687251 (VCV004687251.1).